The following is an entry in ClinVar:

ClinVar aggregate classification (germline): Conflicting classifications of pathogenicity. Review status: criteria provided, conflicting classifications (1 of 4 stars). 4 submissions from 4 submitters: Uncertain significance (2); Likely benign (2). Last evaluated 2026-01-15.

Conditions:
Epilepsy, childhood absence, susceptibility to, 6. Identifiers: Orphanet 64280, MedGen C2749872, MONDO:0012763, OMIM 611942.
Hyperaldosteronism, familial, type IV (HALD4). Also called: FH IV; ALDOSTERONISM, PRIMARY, AND HYPERTENSION. Identifiers: Orphanet 642671, MedGen C4310756, MONDO:0014875, OMIM 617027.
Idiopathic generalized epilepsy. Also called: Generalised epilepsy; EIG. Identifiers: MedGen C0270850, MONDO:0005579, OMIM 600669.
Inborn genetic diseases. Identifiers: MedGen C0950123, MeSH D030342.

Allele frequency attached by ClinVar (database versions not stated): gnomAD 0.00004 and 0.00003; TOPMed 0.00007; ExAC 0.00009; gnomAD exomes 0.00009.
gnomAD v4.1: 71 of 1,611,724 alleles (0.0044%); highest among the groups gnomAD compares: Admixed American, 0.017%; no homozygotes.

Submissions (4):

Labcorp Genetics (formerly Invitae), Labcorp
Classification: Likely benign for Idiopathic generalized epilepsy; Hyperaldosteronism, familial, type IV. Last evaluated: 2026-01-15. Review status: criteria provided, single submitter. Criteria: Invitae Variant Classification Sherloc (09022015). Collection method: clinical testing. Allele origin: germline.

Fulgent Genetics
Classification: Likely benign for Epilepsy, childhood absence, susceptibility to, 6; Hyperaldosteronism, familial, type IV. Last evaluated: 2024-06-18. Review status: criteria provided, single submitter. Criteria: ACMG Guidelines, 2015. Collection method: clinical testing. Allele origin: germline.

Mayo Clinic Laboratories, Mayo Clinic
Classification: Uncertain significance. Last evaluated: 2024-03-13. Review status: criteria provided, single submitter. Criteria: ACMG Guidelines, 2015. Collection method: clinical testing. Allele origin: germline. Observed: 1 variant allele.
Comment: PP3

Ambry Genetics
Classification: Uncertain significance for Inborn genetic diseases. Last evaluated: 2022-02-17. Review status: criteria provided, single submitter. Criteria: Ambry Variant Classification Scheme 2023. Collection method: clinical testing. Allele origin: germline.

NM_021098.3(CACNA1H):c.5209G>A (p.Ala1737Thr)

Gene: CACNA1H (calcium voltage-gated channel subunit alpha1 H; plus strand). Cytogenetic location: 16p13.3.
Variant type: single nucleotide variant.
Coding change: c.5209G>A on transcript NM_021098.3 (MANE Select); coding-DNA position 5209, G replaced by A.
Protein change: p.Ala1737Thr; replaces alanine 1737 with threonine.
Molecular consequence: missense variant.
Genome position (GRCh38, 1-based): chr16:1,215,558, G>A. VCF-style: chr16-1215558-G-A. GRCh37 (hg19) VCF-style: chr16-1265558-G-A.
Other names: p.Ala1737Thr; c.5191G>A, p.Ala1731Thr (NM_001005407.2); short protein forms A1731T, A1737T.
Identifiers: ClinVar variation 752311 (VCV000752311.13), dbSNP rs61372944, ClinGen allele CA7801875.